The following is an entry in ClinVar:

ClinVar aggregate classification (germline): Uncertain significance. Review status: criteria provided, multiple submitters, no conflicts (2 of 4 stars). 3 submissions from 3 submitters: Uncertain significance (3). Last evaluated 2025-02-22.

Conditions:
Inborn genetic diseases. Identifiers: MedGen C0950123, MeSH D030342.

Allele frequency attached by ClinVar (database versions not stated): gnomAD exomes 0.00001.
gnomAD v4.1: 7 of 1,552,652 alleles (0.00045%); highest among the groups gnomAD compares: South Asian, 0.0059%; no homozygotes.

Submissions (3):

Ambry Genetics
Classification: Uncertain significance for Inborn genetic diseases. Last evaluated: 2025-02-22. Review status: criteria provided, single submitter. Criteria: Ambry Variant Classification Scheme 2023. Collection method: clinical testing. Allele origin: germline.

Labcorp Genetics (formerly Invitae), Labcorp
Classification: Uncertain significance. Last evaluated: 2024-10-17. Review status: criteria provided, single submitter. Criteria: Invitae Variant Classification Sherloc (09022015). Collection method: clinical testing. Allele origin: germline.
Comment: This sequence change replaces alanine, which is neutral and non-polar, with threonine, which is neutral and polar, at codon 627 of the MYO7A protein (p.Ala627Thr). This variant is not present in population databases (gnomAD no frequency). This variant has not been reported in the literature in individuals affected with MYO7A-related conditions. ClinVar contains an entry for this variant (Variation ID: 1326431). Invitae Evidence Modeling of protein sequence and biophysical properties (such as structural, functional, and spatial information, amino acid conservation, physicochemical variation, residue mobility, and thermodynamic stability) indicates that this missense variant is not expected to disrupt MYO7A protein function with a negative predictive value of 95%. In summary, the available evidence is currently insufficient to determine the role of this variant in disease. Therefore, it has been classified as a Variant of Uncertain Significance.

GeneDx
Classification: Uncertain significance. Last evaluated: 2021-05-25. Review status: criteria provided, single submitter. Criteria: GeneDx Variant Classification Process June 2021. Collection method: clinical testing. Allele origin: germline. Affected: yes.
Comment: Not observed at significant frequency in large population cohorts (Lek et al., 2016); In silico analysis supports that this missense variant does not alter protein structure/function; Has not been previously published as pathogenic or benign to our knowledge

NM_000260.4(MYO7A):c.1879G>A (p.Ala627Thr)

Gene: MYO7A (myosin VIIA; plus strand). Cytogenetic location: 11q13.5.
Variant type: single nucleotide variant.
Coding change: c.1879G>A on transcript NM_000260.4 (MANE Select); coding-DNA position 1879, G replaced by A.
Protein change: p.Ala627Thr; replaces alanine 627 with threonine.
Molecular consequence: missense variant.
Genome position (GRCh38, 1-based): chr11:77,172,829, G>A. VCF-style: chr11-77172829-G-A. GRCh37 (hg19) VCF-style: chr11-76883875-G-A.
Other names: c.1879G>A, p.Ala627Thr (NM_001127180.2); c.1846G>A, p.Ala616Thr (NM_001369365.1); short protein forms A616T, A627T.
Identifiers: ClinVar variation 1326431 (VCV001326431.5), dbSNP rs2135407452, ClinGen allele CA381938481.
Genomic context (GRCh38, chr11:77,172,829, plus strand): 5'-TCGCCCACACTTAGCAGCCAGTTCAAGCGGTCACTGGAGCTGCTGATGCGCACGCTGGGT[G>A]CCTGCCAGCCCTTCTTTGTGCGATGCATCAAGCCCAATGAGTTCAAGAAGCCCATGGTGA-3'
Protein context (NP_000251.3, residues 617-637): SLELLMRTLG[Ala627Thr]CQPFFVRCIK